The following is an entry in ClinVar:

ClinVar aggregate classification (germline): Likely benign. Review status: criteria provided, multiple submitters, no conflicts (2 of 4 stars). 2 submissions from 2 submitters: Likely benign (2). Last evaluated 2025-05-06.

Conditions:
CFAP410-related disorder. Also called: CFAP410-related condition.

Allele frequency attached by ClinVar (database versions not stated): gnomAD exomes below 0.00001; TOPMed below 0.00001; gnomAD 0.00001; ExAC 0.00004.
gnomAD v4.1: 3 of 1,576,938 alleles (0.00019%); no homozygotes.

Submissions (2):

PreventionGenetics, part of Exact Sciences
Classification: Likely benign for CFAP410-related condition. Last evaluated: 2025-05-06. Review status: criteria provided, single submitter. Criteria: ACMG Guidelines, 2015. Collection method: clinical testing. Allele origin: germline.
Comment: This variant is classified as likely benign based on ACMG/AMP sequence variant interpretation guidelines (Richards et al. 2015 PMID: 25741868, with internal and published modifications).

Labcorp Genetics (formerly Invitae), Labcorp
Classification: Likely benign. Last evaluated: 2023-06-13. Review status: criteria provided, single submitter. Criteria: Invitae Variant Classification Sherloc (09022015). Collection method: clinical testing. Allele origin: germline.

NM_004928.3(CFAP410):c.642+18A>C

Gene: CFAP410 (cilia and flagella associated protein 410; minus strand). Cytogenetic location: 21q22.3.
Variant type: single nucleotide variant.
Coding change: c.642+18A>C on transcript NM_004928.3 (MANE Select); 18 bases into the intron after coding-DNA position 642, A replaced by C.
Molecular consequence: intron variant. On other transcripts: synonymous variant (1).
Genome position (GRCh38, 1-based): chr21:44,330,805, T>G on the plus strand (A>C on the coding strand, the complement: CFAP410 is on the minus strand). VCF-style: chr21-44330805-T-G. GRCh37 (hg19) VCF-style: chr21-45750688-T-G.
Other names: c.657A>C (NM_001271441.1); c.657A>C, p.Leu219= (NM_001271441.2); c.639+18A>C (NM_001271440.2); c.516+18A>C (NM_001271442.1).
Identifiers: ClinVar variation 1949657 (VCV001949657.6), dbSNP rs763283803, ClinGen allele CA10053573.